The following is an entry in ClinVar:

ClinVar aggregate classification (germline): Conflicting classifications of pathogenicity. Review status: criteria provided, conflicting classifications (1 of 4 stars). 3 submissions from 3 submitters: Uncertain significance (2); Likely benign (1). Last evaluated 2026-01-26.

Conditions:
Inborn genetic diseases. Identifiers: MedGen C0950123, MeSH D030342.

Allele frequency attached by ClinVar (database versions not stated): TOPMed 0.00002; gnomAD 0.00003.
gnomAD v4.1: 39 of 1,479,558 alleles (0.0026%); highest among the groups gnomAD compares: Non-Finnish European, 0.0035%; no homozygotes.

Submissions (3):

Labcorp Genetics (formerly Invitae), Labcorp
Classification: Uncertain significance. Last evaluated: 2026-01-26. Review status: criteria provided, single submitter. Criteria: Invitae Variant Classification Sherloc (09022015). Collection method: clinical testing. Allele origin: germline.
Comment: This sequence change replaces glycine, which is neutral and non-polar, with serine, which is neutral and polar, at codon 327 of the PRDM13 protein (p.Gly327Ser). The frequency data for this variant in the population databases is considered unreliable, as metrics indicate poor data quality at this position in the gnomAD database. This variant has not been reported in the literature in individuals affected with PRDM13-related conditions. ClinVar contains an entry for this variant (Variation ID: 1371226). An algorithm developed to predict the effect of missense changes on protein structure and function outputs the following: PolyPhen-2: "Benign". The serine amino acid residue is found in multiple mammalian species, which suggests that this missense change does not adversely affect protein function. In summary, the available evidence is currently insufficient to determine the role of this variant in disease. Therefore, it has been classified as a Variant of Uncertain Significance.

Ambry Genetics
Classification: Uncertain significance for Inborn genetic diseases. Last evaluated: 2024-03-20. Review status: criteria provided, single submitter. Criteria: Ambry Variant Classification Scheme 2023. Collection method: clinical testing. Allele origin: germline.

Blueprint Genetics
Classification: Likely benign. Last evaluated: 2022-10-17. Review status: criteria provided, single submitter. Criteria: ACMG Guidelines, 2015. Collection method: clinical testing. Allele origin: germline.

NM_021620.4(PRDM13):c.979G>A (p.Gly327Ser)

Genes: PRDM13 (PR/SET domain 13; plus strand), LOC129996881 (ATAC-STARR-seq lymphoblastoid silent region 17422; plus strand). Cytogenetic location: 6q16.2.
Variant type: single nucleotide variant.
Coding change: c.979G>A on transcript NM_021620.4 (MANE Select); coding-DNA position 979, G replaced by A.
Protein change: p.Gly327Ser; replaces glycine 327 with serine.
Molecular consequence: missense variant.
Genome position (GRCh38, 1-based): chr6:99,613,614, G>A. VCF-style: chr6-99613614-G-A. GRCh37 (hg19) VCF-style: chr6-100061490-G-A.
Other names: c.979G>A (NM_021620.3); short protein forms G327S.
Identifiers: ClinVar variation 1371226 (VCV001371226.12), dbSNP rs1050548927, ClinGen allele CA143975337.